The following is an entry in ClinVar:

ClinVar aggregate classification (germline): Uncertain significance. Review status: criteria provided, multiple submitters, no conflicts (2 of 4 stars). 8 submissions from 8 submitters: Uncertain significance (8). Last evaluated 2026-06-01.

Conditions:
PMS2-related disorder. Also called: PMS2-related condition.
Hereditary nonpolyposis colorectal neoplasms. Identifiers: MedGen C0009405, MeSH D003123.
Hereditary cancer-predisposing syndrome. Also called: Neoplastic Syndromes, Hereditary; Tumor predisposition; Hereditary Cancer Syndrome; Hereditary neoplastic syndrome. Identifiers: Orphanet 140162, MedGen C0027672, MeSH D009386, MONDO:0015356.
Lynch syndrome 4 (LYNCH4). Also called: Colorectal cancer, hereditary nonpolyposis, type 4; Hereditary non-polyposis colorectal cancer, type 4. Identifiers: Orphanet 144, MedGen C1838333, MONDO:0013699, OMIM 614337. Disease mechanism: loss of function.

Allele frequency attached by ClinVar (database versions not stated): gnomAD 0.00001; TOPMed 0.00001; ExAC 0.00003; gnomAD exomes 0.00003; 1000 Genomes Project 30x 0.00016.

Submissions (8):

Women's Health and Genetics/Laboratory Corporation of America, LabCorp
Classification: Uncertain significance. Last evaluated: 2026-06-01. Review status: criteria provided, single submitter. Criteria: LabCorp Variant Classification Summary - May 2015. Collection method: clinical testing. Allele origin: germline.
Comment: Variant summary: PMS2 c.2396G>A (p.Arg799Gln) results in a conservative amino acid change in the encoded protein sequence. Algorithms developed to predict the effect of missense changes on protein structure and function are either unavailable or do not agree on the potential impact of this missense change. The variant allele was found at a frequency of 3.4e-05 in 235626 control chromosomes in the gnomAD database, including 1 homozygote. However, this observation needs to be cautiously considered since sequence alignment analysis suggests that the variant lies within a region of the gene that has high homology with the PMS2 pseudogene. The available data on variant occurrences in the general population are insufficient to allow any conclusion about variant significance. c.2396G>A has been observed in an individual affected with breast cancer (Hu_2022) and an individual with an unspecified cancer type from a cohort of patients affected primarily with Lynch syndrome-associated cancers (Li_2020). However in both cases there was no strong evidence suggesting causality. Therefore, these reports do not provide unequivocal conclusions about association of the variant with disease. At least one publication reports experimental evidence evaluating an impact on protein function in vitro and showed no damaging effect of this variant on protein expression or DNA mismatch repair (MMR) activity when compared to wild type PMS2 results (D'Arcy_2022). The following publications have been ascertained in the context of this evaluation (PMID: 35189042, 35449176, 31391288). ClinVar contains an entry for this variant (Variation ID: 127782). Based on the evidence outlined above, the variant was classified as uncertain significance.

PreventionGenetics, part of Exact Sciences
Classification: Uncertain significance for PMS2-related condition. Last evaluated: 2026-03-12. Review status: criteria provided, single submitter. Criteria: ACMG Guidelines, 2015. Collection method: clinical testing. Allele origin: germline.
Comment: The PMS2 c.2396G>A variant is predicted to result in the amino acid substitution p.Arg799Gln. This variant has been reported in individuals with breast cancer (Table S1, Hu et al. 2022. PubMed ID: 35449176; Supplementary Table 3, Mittal et al. 2022. PubMed ID: 36200007) and prostate cancer (Table S2, Li et al. 2019. PubMed ID: 31391288). Functional studies demonstrate that this variant does not significantly impact PMS2 function, and may increase mismatch repair activity (D'Arcy et al. 2022. PubMed ID: 35189042). This variant is reported in 0.0077% of alleles in individuals of European (non-Finnish) descent in gnomAD. This variant is classified as uncertain in ClinVar (Variation ID: 127782). At this time, the clinical significance of this variant is uncertain due to the absence of conclusive functional and genetic evidence.

Color Diagnostics, LLC DBA Color Health
Classification: Uncertain significance for Hereditary cancer-predisposing syndrome. Last evaluated: 2025-06-25. Review status: criteria provided, single submitter. Criteria: ACMG Guidelines, 2015. Collection method: clinical testing. Allele origin: germline.
Comment: This missense variant replaces arginine with glutamine at codon 799 of the PMS2 protein. Computational prediction suggests that this variant may have deleterious impact on protein structure and function. A functional study has shown the mutant protein to exhibit normal expression and DNA mismatch repair activity (PMID: 35189042). This variant has not been reported in individuals affected with hereditary cancer in the literature. This variant has been identified in 8/235626 chromosomes in the general population by the Genome Aggregation Database (gnomAD). The available evidence is insufficient to determine the role of this variant in disease conclusively. Therefore, this variant is classified as a Variant of Uncertain Significance.

Labcorp Genetics (formerly Invitae), Labcorp
Classification: Uncertain significance for Hereditary nonpolyposis colorectal neoplasms. Last evaluated: 2024-11-24. Review status: criteria provided, single submitter. Criteria: Invitae Variant Classification Sherloc (09022015). Collection method: clinical testing. Allele origin: germline.
Comment: This sequence change replaces arginine, which is basic and polar, with glutamine, which is neutral and polar, at codon 799 of the PMS2 protein (p.Arg799Gln). The frequency data for this variant in the population databases (gnomAD) is considered unreliable due to the presence of homologous sequence, such as pseudogenes or paralogs, in the genome. This variant has not been reported in the literature in individuals affected with PMS2-related conditions. ClinVar contains an entry for this variant (Variation ID: 127782). Invitae Evidence Modeling incorporating data from in vitro experimental studies (internal data) indicates that this missense variant is not expected to disrupt PMS2 function with a negative predictive value of 95%. Experimental studies have shown that this missense change does not substantially affect PMS2 function (PMID: 35189042). RNA analysis performed to evaluate the impact of this missense change on mRNA splicing indicates it does not significantly alter splicing (internal data). In summary, the available evidence is currently insufficient to determine the role of this variant in disease. Therefore, it has been classified as a Variant of Uncertain Significance.

Quest Diagnostics Nichols Institute San Juan Capistrano
Classification: Uncertain significance. Last evaluated: 2024-10-09. Review status: criteria provided, single submitter. Criteria: Quest Diagnostics criteria. Collection method: clinical testing. Allele origin: unknown.
Comment: The PMS2 c.2396G>A (p.Arg799Gln) variant has been reported in individuals with breast cancer (PMID: 33471991 (2021), 35449176 (2022), 36200007 (2022), see also LOVD). A functional study reported this variant did not have a damaging effect on protein function (PMID: 35189042 (2022)). The frequency of this variant in the general population, 0.000098 (4/40920 chromosomes (Genome Aggregation Database)), is uninformative in the assessment of its pathogenicity. Analysis of this variant using bioinformatics tools for the prediction of the effect of amino acid changes on protein structure and function yielded conflicting predictions that this variant is benign or damaging. Based on the available information, we are unable to determine the clinical significance of this variant.

Ambry Genetics
Classification: Uncertain significance for Hereditary cancer-predisposing syndrome. Last evaluated: 2024-06-03. Review status: criteria provided, single submitter. Criteria: Ambry Variant Classification Scheme 2023. Collection method: clinical testing. Allele origin: germline.
Comment: The p.R799Q variant (also known as c.2396G>A), located in coding exon 14 of the PMS2 gene, results from a G to A substitution at nucleotide position 2396. The arginine at codon 799 is replaced by glutamine, an amino acid with highly similar properties. This alteration was also identified in an individual diagnosed with breast cancer (Mittal A et al. Ecancermedicalscience, 2022 Aug;16:1434). This amino acid position is highly conserved in available vertebrate species. In addition, this alteration is predicted to be deleterious by in silico analysis. Based on the available evidence, the clinical significance of this variant remains unclear.

Baylor Genetics
Classification: Uncertain significance for Lynch syndrome 4. Last evaluated: 2024-03-28. Review status: criteria provided, single submitter. Criteria: ACMG Guidelines, 2015. Collection method: clinical testing. Allele origin: unknown.

GeneDx
Classification: Uncertain significance. Last evaluated: 2018-06-05. Review status: criteria provided, single submitter. Criteria: GeneDx Variant Classification (06012015). Collection method: clinical testing. Allele origin: germline. Affected: yes.
Comment: This variant is denoted PMS2 c.2396G>A at the cDNA level, p.Arg799Gln (R799Q) at the protein level, and results in the change of an Arginine to a Glutamine (CGG>CAG). This variant has not, to our knowledge, been published in the literature as a pathogenic or benign germline variant. Although this variant was observed in large population cohorts, data in this region of PMS2 are not considered reliable due to high pseudogene homology (Lek 2016). This variant is located in the endonuclease domain (Fukui 2011). In silico analysis, which includes protein predictors and evolutionary conservation, supports a deleterious effect. Based on currently available evidence, it is unclear whether PMS2 Arg799Gln is a pathogenic or benign variant. We consider it to be a variant of uncertain significance.

Literature cited by the submitters: PubMed 31391288 (cited by Women's Health and Genetics/Laboratory Corporation of America, LabCorp and Quest Diagnostics Nichols Institute San Juan Capistrano); PubMed 35449176 (cited by Women's Health and Genetics/Laboratory Corporation of America, LabCorp and Quest Diagnostics Nichols Institute San Juan Capistrano); PubMed 35189042 (cited by 4 submitters); PubMed 32832836 (cited by Quest Diagnostics Nichols Institute San Juan Capistrano and Ambry Genetics); PubMed 33471991 (cited by Quest Diagnostics Nichols Institute San Juan Capistrano); PubMed 36200007 (cited by Quest Diagnostics Nichols Institute San Juan Capistrano and Ambry Genetics).

NM_000535.7(PMS2):c.2396G>A (p.Arg799Gln)

Gene: PMS2 (PMS1 homolog 2, mismatch repair system component; minus strand). Cytogenetic location: 7p22.1.
Variant type: single nucleotide variant.
Coding change: c.2396G>A on transcript NM_000535.7 (MANE Select); coding-DNA position 2396, G replaced by A.
Protein change: p.Arg799Gln; replaces arginine 799 with glutamine.
Molecular consequence: missense variant. On other transcripts: non-coding transcript variant (1).
Genome position (GRCh38, 1-based): chr7:5,977,637, C>T on the plus strand (G>A on the coding strand, the complement: PMS2 is on the minus strand). VCF-style: chr7-5977637-C-T. GRCh37 (hg19) VCF-style: chr7-6017268-C-T.
Other names: c.1991G>A, p.Arg664Gln (NM_001322003.2, NM_001322004.2, NM_001322005.2); c.2240G>A, p.Arg747Gln (NM_001322006.2); c.2078G>A, p.Arg693Gln (NM_001322007.2, NM_001322008.2); c.2024G>A, p.Arg675Gln (NM_001322009.2); c.1835G>A, p.Arg612Gln (NM_001322010.2); c.1463G>A, p.Arg488Gln (NM_001322011.2, NM_001322012.2); c.1823G>A, p.Arg608Gln (NM_001322013.2); c.2429G>A, p.Arg810Gln (NM_001322014.2); and 2 more; short protein forms R799Q, R608Q, R612Q, R664Q, R675Q, R693Q, R810Q, R696Q.
Identifiers: ClinVar variation 127782 (VCV000127782.24), dbSNP rs587780055, ClinGen allele CA011423.